The following is an entry in ClinVar:

NM_017763.6(RNF43):c.1149G>A (p.Met383Ile)

Gene: RNF43 (ring finger protein 43; minus strand). Cytogenetic location: 17q22.
Variant type: single nucleotide variant.
Coding change: c.1149G>A on transcript NM_017763.6 (MANE Select); coding-DNA position 1149, G replaced by A.
Protein change: p.Met383Ile; replaces methionine 383 with isoleucine.
Molecular consequence: missense variant.
Genome position (GRCh38, 1-based): chr17:58,358,627, C>T on the plus strand (G>A on the coding strand, the complement: RNF43 is on the minus strand). VCF-style: chr17-58358627-C-T. GRCh37 (hg19) VCF-style: chr17-56435988-C-T.
Other names: c.1149G>A, p.Met383Ile (NM_001305544.3); c.768G>A, p.Met256Ile (NM_001305545.2); short protein forms M256I, M383I.
Identifiers: ClinVar variation 3789874 (VCV003789874.1).

ClinVar aggregate classification (germline): Uncertain significance (1 of 4 stars; one submission).

Submission:

Ambry Genetics
Classification: Uncertain significance. Last evaluated: 2024-12-29. Review status: criteria provided, single submitter. Criteria: Ambry Variant Classification Scheme 2023. Collection method: clinical testing. Allele origin: germline.
Comment: The p.M383I variant (also known as c.1149G>A), located in coding exon 8 of the RNF43 gene, results from a G to A substitution at nucleotide position 1149. The methionine at codon 383 is replaced by isoleucine, an amino acid with highly similar properties. This amino acid position is conserved. In addition, this alteration is predicted to be tolerated by in silico analysis. Based on the available evidence, the clinical significance of this variant remains unclear.